The following is an entry in ClinVar:

NM_001372.4(DNAH9):c.8832G>A (p.Arg2944=)

Gene: DNAH9 (dynein axonemal heavy chain 9; plus strand). Cytogenetic location: 17p12.
Variant type: single nucleotide variant.
Coding change: c.8832G>A on transcript NM_001372.4 (MANE Select); coding-DNA position 8832, G replaced by A.
Protein change: p.Arg2944=; no amino-acid change (arginine 2944 retained).
Molecular consequence: synonymous variant.
Genome position (GRCh38, 1-based): chr17:11,822,044, G>A. VCF-style: chr17-11822044-G-A. GRCh37 (hg19) VCF-style: chr17-11725361-G-A.
Identifiers: ClinVar variation 4874314 (VCV004874314.3).
Genomic context (GRCh38, chr17:11,822,044, plus strand): 5'-AGTCAAGAGCCAGGGTCTGGTTGACAACAGAGAGAACTGTTGGAAGTTCTTTATAGATCG[G>A]ATCCGGCGACAGCTGAAGGTAAAGAGCATTTACTGACAGGGGCAGGCAGAGACCCGAGAT-3'
Protein context (NP_001363.2, residues 2934-2954): RENCWKFFID[Arg2944=]IRRQLKVTLC

ClinVar aggregate classification (germline): Likely benign. Review status: criteria provided, multiple submitters, no conflicts (2 of 4 stars). 2 submissions from 2 submitters: Likely benign (2). Last evaluated 2026-07-01.

Submissions (2):

CeGaT Center for Human Genetics Tuebingen
Classification: Likely benign. Last evaluated: 2026-07-01. Review status: criteria provided, single submitter. Criteria: CeGaT Center For Human Genetics Tuebingen Variant Classification Criteria Version 2. Collection method: clinical testing. Allele origin: germline. Affected: yes. Observed: 2 variant alleles.
Comment: DNAH9: PM2:Supporting, BP4, BP7

Blueprint Genetics
Classification: Likely benign. Last evaluated: 2020-11-16. Review status: criteria provided, single submitter. Criteria: ACMG Guidelines, 2015. Collection method: clinical testing. Allele origin: germline.